The following is an entry in ClinVar:

NM_001139.3(ALOX12B):c.1594G>A (p.Glu532Lys)

Gene: ALOX12B (arachidonate 12-lipoxygenase, 12R type; minus strand). Cytogenetic location: 17p13.1.
Variant type: single nucleotide variant.
Coding change: c.1594G>A on transcript NM_001139.3 (MANE Select); coding-DNA position 1594, G replaced by A.
Protein change: p.Glu532Lys; replaces glutamic acid 532 with lysine.
Molecular consequence: missense variant.
Genome position (GRCh38, 1-based): chr17:8,075,655, C>T on the plus strand (G>A on the coding strand, the complement: ALOX12B is on the minus strand). VCF-style: chr17-8075655-C-T. GRCh37 (hg19) VCF-style: chr17-7978973-C-T.
Other names: short protein forms E532K.
Identifiers: ClinVar variation 995749 (VCV000995749.3), dbSNP rs768093512, ClinGen allele CA8367248.
Genomic context (GRCh38, chr17:8,075,655, plus strand): 5'-CTGAGCTCTCCCGCCCCAGGAGGCACTCTTTAAATATTTCCTGCACCCAAGACTGCAATT[C>T]CGGATCACCCTCCACGGCTGCGTCACTCGGGTAATAATAGGTGATGATCTCCGTCACATA-3'
Protein context (NP_001130.1, residues 522-542): PSDAAVEGDP[Glu532Lys]LQSWVQEIFK

ClinVar aggregate classification (germline): Uncertain significance. Review status: criteria provided, single submitter (1 of 4 stars). 2 submissions from 2 submitters: Uncertain significance (1). 1 of the submissions does not count toward it. Last evaluated 2024-06-26.

Conditions:
Autosomal recessive congenital ichthyosis 2 (ARCI2). Identifiers: Orphanet 281122, Orphanet 79394, MedGen C3888093, MONDO:0009439, OMIM 242100.

Allele frequency attached by ClinVar (database versions not stated): gnomAD exomes below 0.00001; ExAC 0.00001.
gnomAD v4.1: 2 of 1,614,194 alleles (0.00012%); highest among the groups gnomAD compares: Non-Finnish European, 0.00017%; no homozygotes.

Submissions (2):

Women's Health and Genetics/Laboratory Corporation of America, LabCorp
Classification: Uncertain significance. Last evaluated: 2024-06-26. Review status: criteria provided, single submitter. Criteria: LabCorp Variant Classification Summary - May 2015. Collection method: clinical testing. Allele origin: germline.
Comment: Variant summary: ALOX12B c.1594G>A (p.Glu532Lys) results in a conservative amino acid change located in the Lipoxygenase, C-terminal domain (IPR013819) of the encoded protein sequence. Four of five in-silico tools predict a damaging effect of the variant on protein function. The variant allele was found at a frequency of 4e-06 in 251490 control chromosomes. c.1594G>A has been reported in the literature in individuals affected with Lamellar Ichthyosis (examples: Hotz_2021,Hake_2021). These data indicate that the variant may be associated with disease. To our knowledge, no experimental evidence demonstrating an impact on protein function has been reported. The following publications have been ascertained in the context of this evaluation (PMID: 33435499, 34908195). ClinVar contains an entry for this variant (Variation ID: 995749). Based on the evidence outlined above, the variant was classified as VUS-possibly pathogenic.

Institute for Human Genetics, University Medical Center Freiburg
Classification: Pathogenic for Autosomal recessive congenital ichthyosis 2. Last evaluated: 2021-01-07. Review status: no assertion criteria provided. Collection method: clinical testing. Allele origin: unknown. Affected: yes. Not counted in ClinVar's aggregate classification.

Literature cited by the submitters: PubMed 33435499 (cited by Women's Health and Genetics/Laboratory Corporation of America, LabCorp); PubMed 34908195 (cited by Women's Health and Genetics/Laboratory Corporation of America, LabCorp).